The following is an entry in ClinVar:

NM_170707.4(LMNA):c.1633C>T (p.Arg545Cys)

Gene: LMNA (lamin A/C; plus strand). Cytogenetic location: 1q22.
Variant type: single nucleotide variant.
Coding change: c.1633C>T on transcript NM_170707.4 (MANE Select); coding-DNA position 1633, C replaced by T.
Protein change: p.Arg545Cys; replaces arginine 545 with cysteine.
Molecular consequence: missense variant. On other transcripts: intron variant (1).
Genome position (GRCh38, 1-based): chr1:156,137,678, C>T. VCF-style: chr1-156137678-C-T. GRCh37 (hg19) VCF-style: chr1-156107469-C-T.
Other names: c.1297C>T, p.Arg433Cys (NM_001257374.3); c.1390C>T, p.Arg464Cys (NM_001282624.2); c.1633C>T, p.Arg545Cys (NM_001282625.2, NM_001282626.2, NM_005572.4); c.1608+446C>T (NM_170708.4); short protein forms R545C, R433C, R464C.
Identifiers: ClinVar variation 66862 (VCV000066862.72), dbSNP rs267607613, ClinGen allele CA017642.

ClinVar aggregate classification (germline): Conflicting classifications of pathogenicity. Review status: criteria provided, conflicting classifications (1 of 4 stars). 16 submissions from 16 submitters: Pathogenic (1); Uncertain significance (14). 1 of the submissions does not count toward it. Last evaluated 2026-02-06.

Conditions:
Emery-Dreifuss muscular dystrophy 3, autosomal recessive (EDMD3). Identifiers: Orphanet 261, Orphanet 98855, MedGen C2750035, MONDO:0014676, OMIM 616516.
Emery-Dreifuss muscular dystrophy 2, autosomal dominant (EDMD2). Also called: MUSCULAR DYSTROPHY WITH EARLY CONTRACTURES AND CARDIOMYOPATHY, AUTOSOMAL DOMINANT; SCAPULOILIOPERONEAL ATROPHY WITH CARDIOPATHY; Limb-girdle muscular dystrophy, type 1B; Muscular dystrophy, proximal, type 1B; Benign scapuloperoneal muscular dystrophy with cardiomyopathy; LMNA-Related Emery-Dreifuss Muscular Dystrophy, Autosomal. Identifiers: Orphanet 261, Orphanet 264, MedGen C0410190, MONDO:0021569, OMIM 181350.
Congenital muscular dystrophy due to LMNA mutation. Also called: Congenital muscular dystrophy, LMNA-related; Lamin A-related Congenital Muscular Dystrophy. Identifiers: Orphanet 157973, MedGen C2750785, MONDO:0013178, OMIM 613205.
Charcot-Marie-Tooth disease type 2B1 (CMT2B1). Also called: CHARCOT-MARIE-TOOTH DISEASE, NEURONAL, TYPE 2B1; Charcot-marie-tooth disease, axonal, type 2b1; Charcot-Marie-Tooth Neuropathy Type 2B1. Identifiers: Orphanet 98856, MedGen C1854154, MONDO:0011569, OMIM 605588.
Monogenic diabetes. Identifiers: Orphanet 183625, MedGen C3888631, MONDO:0015967.
Cardiovascular phenotype. Identifiers: MedGen CN230736.
Charcot-Marie-Tooth disease. Also called: Charcot-Marie-Tooth Hereditary Neuropathy; Charcot-Marie-Tooth Neuropathy. Identifiers: Orphanet 166, MedGen C0007959, MONDO:0015626.
Charcot-Marie-Tooth disease type 2. Also called: Charcot-Marie-Tooth type 2. Identifiers: Orphanet 64746, MedGen C0270914, MONDO:0018993.
Cardiomyopathy (CMYO). Also called: Cardiomyopathies. Identifiers: Orphanet 167848, MedGen C0878544, MONDO:0004994, HP:0001638. Inheritance: Various modes of inheritance.
Primary dilated cardiomyopathy (DCM). Also called: Dilated Cardiomyopathy. Identifiers: Orphanet 217604, MedGen C0007193, MeSH D002311, MONDO:0005021, HP:0001644. Inheritance: Various modes of inheritance.

Allele frequency attached by ClinVar (database versions not stated): gnomAD 0.00001; TOPMed 0.00001.
gnomAD v4.1: 15 of 1,555,140 alleles (0.00096%); highest among the groups gnomAD compares: Middle Eastern, 0.017%; no homozygotes.

Submissions 1 to 8 of 16:

Ambry Genetics
Classification: Uncertain significance for Cardiovascular phenotype. Last evaluated: 2026-02-06. Review status: criteria provided, single submitter. Criteria: Ambry Variant Classification Scheme 2023. Collection method: clinical testing. Allele origin: germline.
Comment: The p.R545C variant (also known as c.1633C>T), located in coding exon 10 of the LMNA gene, results from a C to T substitution at nucleotide position 1633. The arginine at codon 545 is replaced by cysteine, an amino acid with highly dissimilar properties. This alteration has been reported in an individual noted to have Emery-Dreifuss muscular dystrophy (EDMD) (Kandert S et al. Eur J Cell Biol, 2009 Oct;88:593-608). This amino acid position is highly conserved in available vertebrate species. In addition, this alteration is predicted to be deleterious by in silico analysis. Based on the available evidence, the clinical significance of this alteration remains unclear.

Women's Health and Genetics/Laboratory Corporation of America, LabCorp
Classification: Uncertain significance. Last evaluated: 2025-10-29. Review status: criteria provided, single submitter. Criteria: LabCorp Variant Classification Summary - May 2015. Collection method: clinical testing. Allele origin: germline.
Comment: Variant summary: LMNA c.1633C>T (p.Arg545Cys) results in a non-conservative amino acid change in the encoded protein sequence. Algorithms developed to predict the effect of missense changes on protein structure and function all suggest that this variant is likely to be disruptive. The frequency data for this variant in gnomAD is considered unreliable, as metrics indicate poor data quality at this position. c.1633C>T has been observed in individuals affected with features of Emery-Dreifuss Muscular Dystrophy, Autosomal Dominant (e.g., Kandert_2009, Abolhassani_2024). These reports do not provide unequivocal conclusions about association of the variant with Emery-Dreifuss Muscular Dystrophy, Autosomal Dominant. At least one publication reports experimental evidence evaluating an impact on protein function. These results showed no damaging effect of this variant on lamin A aggregation (Anderson_2021). The following publications have been ascertained in the context of this evaluation (PMID: 19589617, 38374194, 34862408). ClinVar contains an entry for this variant (Variation ID: 66862). Based on the evidence outlined above, the variant was classified as uncertain significance.

Labcorp Genetics (formerly Invitae), Labcorp
Classification: Uncertain significance for Charcot-Marie-Tooth disease type 2. Last evaluated: 2025-10-11. Review status: criteria provided, single submitter. Criteria: Invitae Variant Classification Sherloc (09022015). Collection method: clinical testing. Allele origin: germline.
Comment: This sequence change replaces arginine, which is basic and polar, with cysteine, which is neutral and slightly polar, at codon 545 of the LMNA protein (p.Arg545Cys). This variant is not present in population databases (gnomAD no frequency). This missense change has been observed in individual(s) with autosomal dominant Emery-Dreifuss muscular dystrophy (PMID: 19589617, 31383942, 38374194). ClinVar contains an entry for this variant (Variation ID: 66862). Invitae Evidence Modeling of protein sequence and biophysical properties (such as structural, functional, and spatial information, amino acid conservation, physicochemical variation, residue mobility, and thermodynamic stability) indicates that this missense variant is expected to disrupt LMNA protein function with a positive predictive value of 95%. Experimental studies are conflicting or provide insufficient evidence to determine the effect of this variant on LMNA function (PMID: 24623722, 34862408). In summary, the available evidence is currently insufficient to determine the role of this variant in disease. Therefore, it has been classified as a Variant of Uncertain Significance.

All of Us Research Program, National Institutes of Health
Classification: Uncertain significance for Primary dilated cardiomyopathy. Last evaluated: 2024-08-23. Review status: criteria provided, single submitter. Criteria: ACMG Guidelines, 2015. Collection method: clinical testing. Allele origin: germline. Inheritance: Autosomal dominant inheritance. Observed: 6 variant alleles, 6 heterozygotes.
Comment: This missense variant replaces arginine with cysteine at codon 545 of the lamin A protein. Computational prediction suggests that this variant may have deleterious impact on protein structure and function (internally defined REVEL score threshold >= 0.7, PMID: 27666373). To our knowledge, functional studies have not been reported for this variant. This variant has been reported in an individual affected with Emery-Dreifuss muscular dystrophy (PMID: 19589617). This variant has not been identified in the general population by the Genome Aggregation Database (gnomAD). The available evidence is insufficient to determine the role of this variant in disease conclusively. Therefore, this variant is classified as a Variant of Uncertain Significance.

This study involves interpretation of variants in research participants for the purpose of population health screening. Participant phenotype was not available at the time of variant classification. Additional details can be found in publication PMID: 35346344, PMCID: PMC8962531

Color Diagnostics, LLC DBA Color Health
Classification: Uncertain significance for Cardiomyopathy. Last evaluated: 2024-08-07. Review status: criteria provided, single submitter. Criteria: ACMG Guidelines, 2015. Collection method: clinical testing. Allele origin: germline.
Comment: This missense variant replaces arginine with cysteine at codon 545 of the LMNA protein. Computational prediction tools indicate that this variant has a deleterious impact on protein structure and function. To our knowledge, functional studies have not been reported for this variant. This variant has been reported in individuals affected with Emery-Dreifuss muscular dystrophy (PMID: 19589617, 36282542). This variant has not been identified in the general population by the Genome Aggregation Database (gnomAD). The available evidence is insufficient to determine the role of this variant in disease conclusively. Therefore, this variant is classified as a Variant of Uncertain Significance.

Blueprint Genetics
Classification: Uncertain significance. Last evaluated: 2024-06-27. Review status: criteria provided, single submitter. Criteria: ACMG Guidelines, 2015. Collection method: clinical testing. Allele origin: germline.

Phosphorus, Inc.
Classification: Uncertain significance. Last evaluated: 2022-01-13. Review status: criteria provided, single submitter. Criteria: ACMG Guidelines, 2015. Collection method: clinical testing. Allele origin: germline. Inheritance: Autosomal dominant inheritance.
Comment: This missense variant results in a substitution of arginine with cysteine at codon 545 of the LMNA gene (transcript NM_170707.3). This variant has been reported in ClinVar (66862) NM_170707.4 (LMNA):c.1633C>T (p.Arg545Cys). The variant has not occurred in population databases. This position is conserved. In silico functional algorithms agree, predicting it as probably damaging (PolyPhen), deleterious (SIFT), and pathogenic (REVEL). Functional analysis performed on myoblasts derived from this patient demonstrated impaired proliferation and differentiation (PMID: 19589617). A different missense change at this codon (R545H) has been observed in an individual with lipodystrophy (PMID: 27919367). In conclusion, the available evidence is insufficient to determine the pathogenicity of this variant. Therefore, it is classified as a Variant of Uncertain Significance.

Genomic Research Center, Shahid Beheshti University of Medical Sciences
Classification: Uncertain significance for Congenital muscular dystrophy due to LMNA mutation. Last evaluated: 2021-02-06. Review status: criteria provided, single submitter. Criteria: ACMG Guidelines, 2015. Collection method: clinical testing. Allele origin: inherited. Affected: yes. Observed: 3 variant alleles.